The following is an entry in ClinVar:

ClinVar aggregate classification (germline): Uncertain significance (1 of 4 stars; one submission).

Conditions:
STIL-related disorder. Also called: STIL-related condition.

Submission:

PreventionGenetics, part of Exact Sciences
Classification: Uncertain significance for STIL-related condition. Last evaluated: 2023-09-27. Review status: criteria provided, single submitter. Criteria: ACMG Guidelines, 2015. Collection method: clinical testing. Allele origin: germline.
Comment: The STIL c.1663C>T variant is predicted to result in the amino acid substitution p.Pro555Ser. To our knowledge, this variant has not been reported in the literature or in a large population database, indicating this variant is rare. At this time, the clinical significance of this variant is uncertain due to the absence of conclusive functional and genetic evidence.

NM_001048166.1(STIL):c.1663C>T (p.Pro555Ser)

Gene: STIL (STIL centriolar assembly protein; minus strand). Cytogenetic location: 1p33.
Variant type: single nucleotide variant.
Coding change: c.1663C>T on transcript NM_001048166.1 (MANE Select); coding-DNA position 1663, C replaced by T.
Protein change: p.Pro555Ser; replaces proline 555 with serine.
Molecular consequence: missense variant.
Genome position (GRCh38, 1-based): chr1:47,280,795, G>A on the plus strand (C>T on the coding strand, the complement: STIL is on the minus strand). VCF-style: chr1-47280795-G-A. GRCh37 (hg19) VCF-style: chr1-47746467-G-A.
Other names: c.1663C>T, p.Pro555Ser (NM_001282936.1, NM_001282937.1, NM_003035.2); c.1522C>T, p.Pro508Ser (NM_001282938.1, NM_001282939.1, NM_001377417.1); short protein forms P508S, P555S.
Identifiers: ClinVar variation 2633994 (VCV002633994.1), dbSNP rs2524014603, ClinGen allele CA340247636.
Genomic context (GRCh38, chr1:47,280,795, plus strand): 5'-CAAAATCGTGTGGTTGGGACTGCGGGGCAAGAGAAGACTGCCTAGAATTAAGTGTGGAGG[G>A]TCTTATAGGATACTCTTCGTTTTGTACATTTCCAGCAGAAACTGTTTGGAGCTTTTCAAA-3'
Protein context (NP_001041631.1, residues 545-565): NVQNEEYPIR[Pro555Ser]STLNSRQSSL